The following is an entry in ClinVar:

NM_000081.4(LYST):c.5847G>C (p.Gln1949His)

Gene: LYST (lysosomal trafficking regulator; minus strand). Cytogenetic location: 1q42.3.
Variant type: single nucleotide variant.
Coding change: c.5847G>C on transcript NM_000081.4 (MANE Select); coding-DNA position 5847, G replaced by C.
Protein change: p.Gln1949His; replaces glutamine 1949 with histidine.
Molecular consequence: missense variant.
Genome position (GRCh38, 1-based): chr1:235,770,235, C>G on the plus strand (G>C on the coding strand, the complement: LYST is on the minus strand). VCF-style: chr1-235770235-C-G. GRCh37 (hg19) VCF-style: chr1-235933535-C-G.
Other names: c.5847G>C, p.Gln1949His (NM_001301365.1); short protein forms Q1949H.
Identifiers: ClinVar variation 254929 (VCV000254929.21), dbSNP rs6665568, ClinGen allele CA1466513.

ClinVar aggregate classification (germline): Benign/Likely benign. Review status: criteria provided, multiple submitters, no conflicts (2 of 4 stars). 7 submissions from 7 submitters: Benign (6); Likely benign (1). Last evaluated 2026-02-04.

Conditions:
Chédiak-Higashi syndrome (CHS). Also called: Chediak-Higashi Syndrome. Identifiers: Orphanet 167, MedGen C0007965, MONDO:0008963, OMIM 214500.

Allele frequency attached by ClinVar (database versions not stated): gnomAD exomes 0.00539 and 0.01427; ExAC 0.01835; gnomAD 0.05492 and 0.05891; 1000 Genomes Project 0.06150; TOPMed 0.06190; 1000 Genomes Project 30x 0.06215; ESP Exome Variant Server 0.06443.
gnomAD v4.1: 16,603 of 1,613,622 alleles (1%); highest among the groups gnomAD compares: African/African-American, 19%; 1,391 homozygotes.

Submissions (7):

Labcorp Genetics (formerly Invitae), Labcorp
Classification: Benign for Chédiak-Higashi syndrome. Last evaluated: 2026-02-04. Review status: criteria provided, single submitter. Criteria: Invitae Variant Classification Sherloc (09022015). Collection method: clinical testing. Allele origin: germline.

Blueprint Genetics
Classification: Likely benign. Last evaluated: 2024-11-25. Review status: criteria provided, single submitter. Criteria: ACMG Guidelines, 2015. Collection method: clinical testing. Allele origin: germline.

Mayo Clinic Laboratories, Mayo Clinic
Classification: Benign. Last evaluated: 2023-07-09. Review status: criteria provided, single submitter. Criteria: ACMG Guidelines, 2015. Collection method: clinical testing. Allele origin: germline. Observed: 123 variant alleles.

GeneDx
Classification: Benign. Last evaluated: 2018-06-13. Review status: criteria provided, single submitter. Criteria: GeneDx Variant Classification (06012015). Collection method: clinical testing. Allele origin: germline. Affected: yes.
Comment: This variant is considered likely benign or benign based on one or more of the following criteria: it is a conservative change, it occurs at a poorly conserved position in the protein, it is predicted to be benign by multiple in silico algorithms, and/or has population frequency not consistent with disease.

Illumina Laboratory Services, Illumina
Classification: Benign for Chédiak-Higashi syndrome. Last evaluated: 2018-01-13. Review status: criteria provided, single submitter. Criteria: ICSL Variant Classification Criteria 13 December 2019. Collection method: clinical testing. Allele origin: germline.
Comment: This variant was observed in the ICSL laboratory as part of a predisposition screen in an ostensibly healthy population. It had not been previously curated by ICSL or reported in the Human Gene Mutation Database (HGMD: prior to June 1st, 2018), and was therefore a candidate for classification through an automated scoring system. Utilizing variant allele frequency, disease prevalence and penetrance estimates, and inheritance mode, an automated score was calculated to assess if this variant is too frequent to cause the disease. Based on the score and internal cut-off values, a variant classified as benign is not then subjected to further curation. The score for this variant resulted in a classification of benign for this disease.

Breakthrough Genomics
Classification: Benign. Review status: criteria provided, single submitter. Criteria: ACMG Guidelines, 2015. Collection method: not provided. Allele origin: germline. Inheritance: Autosomal recessive inheritance. Affected: yes.

PreventionGenetics, part of Exact Sciences
Classification: Benign. Review status: criteria provided, single submitter. Criteria: ACMG Guidelines, 2015. Collection method: clinical testing. Allele origin: germline.